The following is an entry in ClinVar:

ClinVar aggregate classification (germline): Uncertain significance. Review status: criteria provided, multiple submitters, no conflicts (2 of 4 stars). 3 submissions from 3 submitters: Uncertain significance (3). Last evaluated 2023-05-08.

Conditions:
Pyruvate carboxylase deficiency. Also called: Pyruvate Carboxylase Deficiency Disease; LEIGH NECROTIZING ENCEPHALOPATHY DUE TO PYRUVATE CARBOXYLASE DEFICIENCY; LEIGH SYNDROME DUE TO PYRUVATE CARBOXYLASE DEFICIENCY; PC DEFICIENCY; ATAXIA WITH LACTIC ACIDOSIS II. Identifiers: Orphanet 3008, MedGen C0034341, MONDO:0009949, OMIM 266150.

Allele frequency attached by ClinVar (database versions not stated): TOPMed below 0.00001.

Submissions (3):

Genomic Medicine Center of Excellence, King Faisal Specialist Hospital and Research Centre
Classification: Uncertain significance for Pyruvate carboxylase deficiency. Last evaluated: 2023-05-08. Review status: criteria provided, single submitter. Criteria: ACMG Guidelines, 2015. Collection method: research. Allele origin: germline. Affected: yes.

Blueprint Genetics
Classification: Uncertain significance. Last evaluated: 2021-01-11. Review status: criteria provided, single submitter. Criteria: ACMG Guidelines, 2015. Collection method: clinical testing. Allele origin: germline.

GeneDx
Classification: Uncertain significance. Last evaluated: 2020-01-02. Review status: criteria provided, single submitter. Criteria: GeneDx Variant Classification Process June 2021. Collection method: clinical testing. Allele origin: germline. Affected: yes.
Comment: Has not been previously published as pathogenic or benign to our knowledge; Not observed in large population cohorts (Lek et al., 2016); In silico analysis, which includes protein predictors and evolutionary conservation, supports a deleterious effect

NM_001040716.2(PC):c.1486C>T (p.Arg496Trp)

Gene: PC (pyruvate carboxylase; minus strand). Cytogenetic location: 11q13.2.
Variant type: single nucleotide variant.
Coding change: c.1486C>T on transcript NM_001040716.2 (MANE Select); coding-DNA position 1486, C replaced by T.
Protein change: p.Arg496Trp; replaces arginine 496 with tryptophan.
Molecular consequence: missense variant.
Genome position (GRCh38, 1-based): chr11:66,853,266, G>A on the plus strand (C>T on the coding strand, the complement: PC is on the minus strand). VCF-style: chr11-66853266-G-A. GRCh37 (hg19) VCF-style: chr11-66620737-G-A.
Other names: c.1486C>T, p.Arg496Trp (NM_000920.4, NM_022172.3); short protein forms R496W.
Identifiers: ClinVar variation 1302915 (VCV001302915.4), dbSNP rs947957837, ClinGen allele CA224124207.